The following is an entry in ClinVar:

ClinVar aggregate classification (germline): Uncertain significance. Review status: criteria provided, multiple submitters, no conflicts (2 of 4 stars). 2 submissions from 2 submitters: Uncertain significance (2). Last evaluated 2026-03-16.

Conditions:
Tuberous sclerosis syndrome (TSC). Also called: Tuberous Sclerosis Complex; Tuberous sclerosis. Identifiers: Orphanet 805, MedGen C0041341, MONDO:0001734.
Hereditary cancer-predisposing syndrome. Also called: Tumor predisposition; Hereditary neoplastic syndrome; Neoplastic Syndromes, Hereditary; Hereditary Cancer Syndrome. Identifiers: Orphanet 140162, MedGen C0027672, MeSH D009386, MONDO:0015356.

Allele frequency attached by ClinVar (database versions not stated): TOPMed below 0.00001.

Submissions (2):

Ambry Genetics
Classification: Uncertain significance for Hereditary cancer-predisposing syndrome. Last evaluated: 2026-03-16. Review status: criteria provided, single submitter. Criteria: Ambry Variant Classification Scheme 2023. Collection method: clinical testing. Allele origin: germline.
Comment: The p.F924L variant (also known as c.2772T>G), located in coding exon 24 of the TSC2 gene, results from a T to G substitution at nucleotide position 2772. The phenylalanine at codon 924 is replaced by leucine, an amino acid with highly similar properties. This amino acid position is highly conserved in available vertebrate species. In addition, this alteration is predicted to be deleterious by in silico analysis. Based on the available evidence, the clinical significance of this variant remains unclear.

All of Us Research Program, National Institutes of Health
Classification: Uncertain significance for Tuberous sclerosis syndrome. Last evaluated: 2023-08-08. Review status: criteria provided, single submitter. Criteria: ACMG Guidelines, 2015. Collection method: clinical testing. Allele origin: germline. Inheritance: Autosomal dominant inheritance. Observed: 1 variant allele, 1 heterozygote.
Comment: This missense variant replaces phenylalanine with leucine at codon 924 of the TSC2 protein. Computational prediction is inconclusive regarding the impact of this variant on protein structure and function (internally defined REVEL score threshold 0.5 < inconclusive < 0.7, PMID: 27666373). To our knowledge, functional studies have not been reported for this variant. This variant has not been reported in individuals affected with TSC2-related disorders in the literature. This variant has not been identified in the general population by the Genome Aggregation Database (gnomAD). The available evidence is insufficient to determine the role of this variant in disease conclusively. Therefore, this variant is classified as a Variant of Uncertain Significance.

This study involves interpretation of variants in research participants for the purpose of population health screening. Participant phenotype was not available at the time of variant classification. Additional details can be found in publication PMID: 35346344, PMCID: PMC8962531

NM_000548.5(TSC2):c.2772T>G (p.Phe924Leu)

Gene: TSC2 (TSC complex subunit 2; plus strand). Cytogenetic location: 16p13.3.
Variant type: single nucleotide variant.
Coding change: c.2772T>G on transcript NM_000548.5 (MANE Select); coding-DNA position 2772, T replaced by G.
Protein change: p.Phe924Leu; replaces phenylalanine 924 with leucine.
Molecular consequence: missense variant. On other transcripts: non-coding transcript variant (5).
Genome position (GRCh38, 1-based): chr16:2,076,520, T>G. VCF-style: chr16-2076520-T-G. GRCh37 (hg19) VCF-style: chr16-2126521-T-G.
Other names: c.2772T>G, p.Phe924Leu (NM_001077183.3, NM_001114382.3, NM_001363528.2 and 6 more transcripts); c.2661T>G, p.Phe887Leu (NM_001318827.2, NM_001406670.1, NM_001406678.1); c.2625T>G, p.Phe875Leu (NM_001318829.2, NM_001406675.1, NM_001406676.1 and 1 more transcripts); c.2172T>G, p.Phe724Leu (NM_001318831.2, NM_001406680.1, NM_001406682.1 and 6 more transcripts); c.2805T>G, p.Phe935Leu (NM_001318832.2); c.2862T>G, p.Phe954Leu (NM_001406667.1, NM_001406668.1); c.2760T>G, p.Phe920Leu (NM_001406671.1, NM_001406673.1); c.2715T>G, p.Phe905Leu (NM_001406677.1); and 3 more; short protein forms F390L, F476L, F724L, F770L, F875L, F887L, F905L, F920L.
Identifiers: ClinVar variation 3072544 (VCV003072544.2), dbSNP rs2089406887, ClinGen allele CA394279898.